The following is an entry in ClinVar:

NM_007227.3(GPR45):c.901T>C (p.Ser301Pro)

Gene: GPR45 (G protein-coupled receptor 45; plus strand). Cytogenetic location: 2q12.1.
Variant type: single nucleotide variant.
Coding change: c.901T>C on transcript NM_007227.3 (MANE Select); coding-DNA position 901, T replaced by C.
Protein change: p.Ser301Pro; replaces serine 301 with proline.
Molecular consequence: missense variant.
Genome position (GRCh38, 1-based): chr2:105,242,759, T>C. VCF-style: chr2-105242759-T-C. GRCh37 (hg19) VCF-style: chr2-105859216-T-C.
Other names: short protein forms S301P.
Identifiers: ClinVar variation 4717520 (VCV004717520.1).

ClinVar aggregate classification (germline): Uncertain significance (1 of 4 stars; one submission).

Submission:

Labcorp Genetics (formerly Invitae), Labcorp
Classification: Uncertain significance. Last evaluated: 2025-04-14. Review status: criteria provided, single submitter. Criteria: Invitae Variant Classification Sherloc (09022015). Collection method: clinical testing. Allele origin: germline.
Comment: This sequence change replaces serine, which is neutral and polar, with proline, which is neutral and non-polar, at codon 301 of the GPR45 protein (p.Ser301Pro). This variant is not present in population databases (gnomAD no frequency). This variant has not been reported in the literature in individuals affected with GPR45-related conditions. An algorithm developed to predict the effect of missense changes on protein structure and function (PolyPhen-2) suggests that this variant is likely to be disruptive. In summary, the available evidence is currently insufficient to determine the role of this variant in disease. Therefore, it has been classified as a Variant of Uncertain Significance.